The following is an entry in ClinVar:

NM_002340.6(LSS):c.35G>T (p.Gly12Val)

Gene: LSS (lanosterol synthase; minus strand). Cytogenetic location: 21q22.3.
Variant type: single nucleotide variant.
Coding change: c.35G>T on transcript NM_002340.6 (MANE Select); coding-DNA position 35, G replaced by T.
Protein change: p.Gly12Val; replaces glycine 12 with valine.
Molecular consequence: missense variant. On other transcripts: 5 prime UTR variant (1).
Genome position (GRCh38, 1-based): chr21:46,228,579, C>A on the plus strand (G>T on the coding strand, the complement: LSS is on the minus strand). VCF-style: chr21-46228579-C-A. GRCh37 (hg19) VCF-style: chr21-47648493-C-A.
Other names: c.35G>T, p.Gly12Val (NM_001001438.3, NM_001145436.2); c.-206G>T (NM_001145437.2); short protein forms G12V.
Identifiers: ClinVar variation 3674209 (VCV003674209.2).

ClinVar aggregate classification (germline): Uncertain significance (1 of 4 stars; one submission).

Submission:

Labcorp Genetics (formerly Invitae), Labcorp
Classification: Uncertain significance. Last evaluated: 2025-03-25. Review status: criteria provided, single submitter. Criteria: Invitae Variant Classification Sherloc (09022015). Collection method: clinical testing. Allele origin: germline.
Comment: This sequence change replaces glycine, which is neutral and non-polar, with valine, which is neutral and non-polar, at codon 12 of the LSS protein (p.Gly12Val). The frequency data for this variant in the population databases is considered unreliable, as metrics indicate poor data quality at this position in the gnomAD database. This variant has not been reported in the literature in individuals affected with LSS-related conditions. An algorithm developed to predict the effect of missense changes on protein structure and function (PolyPhen-2) suggests that this variant is likely to be disruptive. In summary, the available evidence is currently insufficient to determine the role of this variant in disease. Therefore, it has been classified as a Variant of Uncertain Significance.